The following is an entry in ClinVar:

ClinVar aggregate classification (germline): Uncertain significance. Review status: criteria provided, multiple submitters, no conflicts (2 of 4 stars). 3 submissions from 3 submitters: Uncertain significance (3). Last evaluated 2025-05-15.

Conditions:
Fanconi anemia complementation group F. Also called: FANCF-Related Fanconi Anemia. Identifiers: Orphanet 84, MedGen C3469526, MONDO:0011325, OMIM 603467.
Fanconi anemia (FA). Also called: Fanconi's anemia. Identifiers: Orphanet 84, MedGen C0015625, MeSH D005199, MONDO:0019391.

Allele frequency attached by ClinVar (database versions not stated): gnomAD 0.00001; gnomAD exomes 0.00001 and 0.00002; TOPMed 0.00001; ExAC 0.00002.

Submissions (3):

Dasa
Classification: Uncertain significance. Last evaluated: 2025-05-15. Review status: criteria provided, single submitter. Criteria: DASA Assertion Criteria. Collection method: clinical testing. Allele origin: germline.
Comment: NM_022725.4(FANCF):c.133C>T (p.His45Tyr) is a missense variant that results in the substitution of histidine with tyrosine. This variant is rare in population databases. The currently available literature and clinical evidence are not sufficient to establish a definitive association between this variant and the reported condition. Therefore, this variant is classified as a variant of uncertain significance.

Fulgent Genetics
Classification: Uncertain significance for Fanconi anemia complementation group F. Last evaluated: 2024-05-20. Review status: criteria provided, single submitter. Criteria: ACMG Guidelines, 2015. Collection method: clinical testing. Allele origin: germline.

Labcorp Genetics (formerly Invitae), Labcorp
Classification: Uncertain significance for Fanconi anemia. Last evaluated: 2021-09-24. Review status: criteria provided, single submitter. Criteria: Invitae Variant Classification Sherloc (09022015). Collection method: clinical testing. Allele origin: germline.
Comment: This sequence change replaces histidine with tyrosine at codon 45 of the FANCF protein (p.His45Tyr). The histidine residue is moderately conserved and there is a moderate physicochemical difference between histidine and tyrosine. This variant is present in population databases (rs753116878, ExAC 0.003%). This variant has not been reported in the literature in individuals with FANCF-related conditions. Algorithms developed to predict the effect of missense changes on protein structure and function output the following: SIFT: "Tolerated"; PolyPhen-2: "Benign"; Align-GVGD: "Class C0". The tyrosine amino acid residue is found in multiple mammalian species, suggesting that this missense change does not adversely affect protein function. These predictions have not been confirmed by published functional studies and their clinical significance is uncertain. In summary, the available evidence is currently insufficient to determine the role of this variant in disease. Therefore, it has been classified as a Variant of Uncertain Significance.

NM_022725.4(FANCF):c.133C>T (p.His45Tyr)

Gene: FANCF (FA complementation group F; minus strand). Cytogenetic location: 11p14.3.
Variant type: single nucleotide variant.
Coding change: c.133C>T on transcript NM_022725.4 (MANE Select); coding-DNA position 133, C replaced by T.
Protein change: p.His45Tyr; replaces histidine 45 with tyrosine.
Molecular consequence: missense variant.
Genome position (GRCh38, 1-based): chr11:22,625,678, G>A on the plus strand (C>T on the coding strand, the complement: FANCF is on the minus strand). VCF-style: chr11-22625678-G-A. GRCh37 (hg19) VCF-style: chr11-22647224-G-A.
Other names: short protein forms H45Y.
Identifiers: ClinVar variation 1398175 (VCV001398175.8), dbSNP rs753116878, ClinGen allele CA5924424.